The following is an entry in ClinVar:

NM_004984.4(KIF5A):c.147T>C (p.Phe49=)

Gene: KIF5A (kinesin family member 5A; plus strand). Cytogenetic location: 12q13.3.
Variant type: single nucleotide variant.
Coding change: c.147T>C on transcript NM_004984.4 (MANE Select); coding-DNA position 147, T replaced by C.
Protein change: p.Phe49=; no amino-acid change (phenylalanine 49 retained).
Molecular consequence: synonymous variant. On other transcripts: intron variant (1).
Genome position (GRCh38, 1-based): chr12:57,563,456, T>C. VCF-style: chr12-57563456-T-C. GRCh37 (hg19) VCF-style: chr12-57957239-T-C.
Other names: c.130-1004T>C (NM_001354705.2).
Identifiers: ClinVar variation 2582904 (VCV002582904.25), dbSNP rs2540492895, ClinGen allele CA480263007.

ClinVar aggregate classification (germline): Likely benign (1 of 4 stars; one submission).

Allele frequency attached by ClinVar (database versions not stated): gnomAD exomes below 0.00001.
gnomAD v4.1: 1 of 1,613,034 alleles (0.000062%); highest among the groups gnomAD compares: Non-Finnish European, 0.000085%; no homozygotes.

Submission:

CeGaT Center for Human Genetics Tuebingen
Classification: Likely benign. Last evaluated: 2023-09-01. Review status: criteria provided, single submitter. Criteria: CeGaT Center For Human Genetics Tuebingen Variant Classification Criteria Version 2. Collection method: clinical testing. Allele origin: germline. Affected: yes. Observed: 1 variant allele.
Comment: KIF5A: PM2:Supporting, BP4, BP7